The following is an entry in ClinVar:

ClinVar aggregate classification (germline): Uncertain significance (1 of 4 stars; one submission).

Submission:

GeneDx
Classification: Uncertain significance. Last evaluated: 2024-02-05. Review status: criteria provided, single submitter. Criteria: GeneDx Variant Classification Process June 2021. Collection method: clinical testing. Allele origin: germline. Affected: yes.
Comment: Not observed at significant frequency in large population cohorts (gnomAD); In silico analysis supports that this missense variant has a deleterious effect on protein structure/function; Has not been previously published as pathogenic or benign to our knowledge

NM_005554.4(KRT6A):c.821T>G (p.Val274Gly)

Gene: KRT6A (keratin 6A; minus strand). Cytogenetic location: 12q13.13.
Variant type: single nucleotide variant.
Coding change: c.821T>G on transcript NM_005554.4 (MANE Select); coding-DNA position 821, T replaced by G.
Protein change: p.Val274Gly; replaces valine 274 with glycine.
Molecular consequence: missense variant.
Genome position (GRCh38, 1-based): chr12:52,490,949, A>C on the plus strand (T>G on the coding strand, the complement: KRT6A is on the minus strand). VCF-style: chr12-52490949-A-C. GRCh37 (hg19) VCF-style: chr12-52884733-A-C.
Other names: short protein forms V274G.
Identifiers: ClinVar variation 3368354 (VCV003368354.1).